The following is an entry in ClinVar:

NM_000384.3(APOB):c.6177G>A (p.Lys2059=)

Gene: APOB (apolipoprotein B; minus strand). Cytogenetic location: 2p24.1.
Variant type: single nucleotide variant.
Coding change: c.6177G>A on transcript NM_000384.3 (MANE Select); coding-DNA position 6177, G replaced by A.
Protein change: p.Lys2059=; no amino-acid change (lysine 2059 retained).
Molecular consequence: synonymous variant.
Genome position (GRCh38, 1-based): chr2:21,010,691, C>T on the plus strand (G>A on the coding strand, the complement: APOB is on the minus strand). VCF-style: chr2-21010691-C-T. GRCh37 (hg19) VCF-style: chr2-21233563-C-T.
Identifiers: ClinVar variation 4888249 (VCV004888249.1).

ClinVar aggregate classification (germline): Likely benign (1 of 4 stars; one submission).

Conditions:
Familial hypercholesterolemia. Also called: Familial hypercholesterolemias; Familial hypercholesterolaemia. Identifiers: MedGen C0020445, MONDO:0005439.

gnomAD v4.1: 2 of 1,614,000 alleles (0.00012%); highest among the groups gnomAD compares: South Asian, 0.0011%; no homozygotes.

Submission:

GENinCode PLC
Classification: Likely benign for Familial hypercholesterolemia. Last evaluated: 2026-07-10. Review status: criteria provided, single submitter. Criteria: ACMG Guidelines, 2015. Collection method: clinical testing. Allele origin: germline.
Comment: This is a synonymous (silent) variant that is not predicted to impact splicing and occurs at a nucleotide which is not highly conserved. This variant has been classified as Likely Benign (BP4, BP7).